The following is an entry in ClinVar:

NM_001376.5(DYNC1H1):c.3805-73C>T

Gene: DYNC1H1 (dynein cytoplasmic 1 heavy chain 1; plus strand). Cytogenetic location: 14q32.31.
Variant type: single nucleotide variant.
Coding change: c.3805-73C>T on transcript NM_001376.5 (MANE Select); 73 bases into the intron before coding-DNA position 3805, C replaced by T.
Molecular consequence: intron variant.
Genome position (GRCh38, 1-based): chr14:101,999,916, C>T. VCF-style: chr14-101999916-C-T. GRCh37 (hg19) VCF-style: chr14-102466253-C-T.
Identifiers: ClinVar variation 679343 (VCV000679343.2), dbSNP rs8015117, ClinGen allele CA14024923.

ClinVar aggregate classification (germline): Benign. Review status: criteria provided, multiple submitters, no conflicts (2 of 4 stars). 2 submissions from 2 submitters: Benign (2). Last evaluated 2018-06-18.

Allele frequency attached by ClinVar (database versions not stated): gnomAD exomes 0.12894; gnomAD 0.20252 and 0.20299; TOPMed 0.21355; 1000 Genomes Project 0.25479; 1000 Genomes Project 30x 0.25593.
gnomAD v4.1: 219,517 of 1,607,562 alleles (14%); highest among the groups gnomAD compares: African/African-American, 39%; 18,858 homozygotes.

Submissions (2):

GeneDx
Classification: Benign. Last evaluated: 2018-06-18. Review status: criteria provided, single submitter. Criteria: GeneDx Variant Classification (06012015). Collection method: clinical testing. Allele origin: germline. Affected: yes.
Comment: This variant is considered likely benign or benign based on one or more of the following criteria: it is a conservative change, it occurs at a poorly conserved position in the protein, it is predicted to be benign by multiple in silico algorithms, and/or has population frequency not consistent with disease.

Breakthrough Genomics
Classification: Benign. Review status: criteria provided, single submitter. Criteria: ACMG Guidelines, 2015. Collection method: not provided. Allele origin: germline. Inheritance: Autosomal dominant inheritance. Affected: yes.